The following is an entry in ClinVar:

NM_001458.5(FLNC):c.3711A>T (p.Lys1237Asn)

Gene: FLNC (filamin C; plus strand). Cytogenetic location: 7q32.1.
Variant type: single nucleotide variant.
Coding change: c.3711A>T on transcript NM_001458.5 (MANE Select); coding-DNA position 3711, A replaced by T.
Protein change: p.Lys1237Asn; replaces lysine 1237 with asparagine.
Molecular consequence: missense variant.
Genome position (GRCh38, 1-based): chr7:128,845,176, A>T. VCF-style: chr7-128845176-A-T. GRCh37 (hg19) VCF-style: chr7-128485230-A-T.
Other names: c.3711A>T, p.Lys1237Asn (NM_001127487.2); short protein forms K1237N.
Identifiers: ClinVar variation 4812714 (VCV004812714.1).
Genomic context (GRCh38, chr7:128,845,176, plus strand): 5'-CCCTGCCTTCCCTGGCACCTACACCATTACCATCAAGTATGGCGGGCATCCCGTGCCCAA[A>T]TTCCCCACCCGTGTCCATGTGCAGCCTGCGGTCGATACCAGTGGCGTCAAGGTCTCAGGG-3'
Protein context (NP_001449.3, residues 1227-1247): TIKYGGHPVP[Lys1237Asn]FPTRVHVQPA

ClinVar aggregate classification (germline): Uncertain significance (1 of 4 stars; one submission).

Conditions:
Hypertrophic cardiomyopathy 26. Also called: Cardiomyopathy, familial hypertrophic, 26. Identifiers: Orphanet 75249, MedGen C4310749, MONDO:0014883, OMIM 617047.
Myofibrillar myopathy 5. Also called: Filaminopathy (type); FILAMINOPATHY, AUTOSOMAL DOMINANT. Identifiers: Orphanet 171445, MedGen C1836050, MONDO:0012289, OMIM 609524.
Distal myopathy with posterior leg and anterior hand involvement. Also called: WILLIAMS DISTAL MYOPATHY. Identifiers: Orphanet 63273, MedGen C3279722, MONDO:0013550, OMIM 614065.

gnomAD v4.1: 1 of 1,613,902 alleles (0.000062%); highest among the groups gnomAD compares: Non-Finnish European, 0.000085%; no homozygotes.

Submission:

Labcorp Genetics (formerly Invitae), Labcorp
Classification: Uncertain significance for Distal myopathy with posterior leg and anterior hand involvement; Myofibrillar myopathy 5; Hypertrophic cardiomyopathy 26. Last evaluated: 2025-07-13. Review status: criteria provided, single submitter. Criteria: Invitae Variant Classification Sherloc (09022015). Collection method: clinical testing. Allele origin: germline.
Comment: This sequence change replaces lysine, which is basic and polar, with asparagine, which is neutral and polar, at codon 1237 of the FLNC protein (p.Lys1237Asn). This variant is not present in population databases (gnomAD no frequency). This variant has not been reported in the literature in individuals affected with FLNC-related conditions. Invitae Evidence Modeling of protein sequence and biophysical properties (such as structural, functional, and spatial information, amino acid conservation, physicochemical variation, residue mobility, and thermodynamic stability) has been performed for this missense variant. However, the output from this modeling did not meet the statistical confidence thresholds required to predict the impact of this variant on FLNC protein function. In summary, the available evidence is currently insufficient to determine the role of this variant in disease. Therefore, it has been classified as a Variant of Uncertain Significance.